The following is an entry in ClinVar:

ClinVar aggregate classification (germline): Uncertain significance (1 of 4 stars; one submission).

Conditions:
Fanconi anemia (FA). Also called: Fanconi's anemia. Identifiers: Orphanet 84, MedGen C0015625, MeSH D005199, MONDO:0019391.

gnomAD v4.1: 1 of 1,614,078 alleles (0.000062%); no homozygotes.

Submission:

Labcorp Genetics (formerly Invitae), Labcorp
Classification: Uncertain significance for Fanconi anemia. Last evaluated: 2023-03-20. Review status: criteria provided, single submitter. Criteria: Invitae Variant Classification Sherloc (09022015). Collection method: clinical testing. Allele origin: germline.
Comment: An algorithm developed to predict the effect of missense changes on protein structure and function (PolyPhen-2) suggests that this variant is likely to be tolerated. ClinVar contains an entry for this variant (Variation ID: 1373904). This variant has not been reported in the literature in individuals affected with SLX4-related conditions. This variant is not present in population databases (gnomAD no frequency). This sequence change replaces proline, which is neutral and non-polar, with threonine, which is neutral and polar, at codon 1203 of the SLX4 protein (p.Pro1203Thr). In summary, the available evidence is currently insufficient to determine the role of this variant in disease. Therefore, it has been classified as a Variant of Uncertain Significance.

NM_032444.4(SLX4):c.3607C>A (p.Pro1203Thr)

Gene: SLX4 (SLX4 structure-specific endonuclease subunit; minus strand). Cytogenetic location: 16p13.3.
Variant type: single nucleotide variant.
Coding change: c.3607C>A on transcript NM_032444.4 (MANE Select); coding-DNA position 3607, C replaced by A.
Protein change: p.Pro1203Thr; replaces proline 1203 with threonine.
Molecular consequence: missense variant.
Genome position (GRCh38, 1-based): chr16:3,590,031, G>T on the plus strand (C>A on the coding strand, the complement: SLX4 is on the minus strand). VCF-style: chr16-3590031-G-T. GRCh37 (hg19) VCF-style: chr16-3640032-G-T.
Other names: short protein forms P1203T.
Identifiers: ClinVar variation 1373904 (VCV001373904.8), dbSNP rs745508761, ClinGen allele CA394519767.
Genomic context (GRCh38, chr16:3,590,031, plus strand): 5'-GCAGCGCCCCCTCATCCTCCTGCTGCAGCACAGCTTCGCTTCTTGGTGGGCTCTGGGAAG[G>T]TTCCTGATCTGCATCAACATCAATGATGGAAAACAGCTCACAGGACCTAGGGCTAATTTC-3'
Protein context (NP_115820.2, residues 1193-1213): SIIDVDADQE[Pro1203Thr]SQSPPRSEAV